The following is an entry in ClinVar:

NM_000138.5(FBN1):c.246C>G (p.Val82=)

Gene: FBN1 (fibrillin 1; minus strand). Cytogenetic location: 15q21.1.
Variant type: single nucleotide variant.
Coding change: c.246C>G on transcript NM_000138.5 (MANE Select); coding-DNA position 246, C replaced by G.
Protein change: p.Val82=; no amino-acid change (valine 82 retained).
Molecular consequence: synonymous variant.
Genome position (GRCh38, 1-based): chr15:48,613,011, G>C on the plus strand (C>G on the coding strand, the complement: FBN1 is on the minus strand). VCF-style: chr15-48613011-G-C. GRCh37 (hg19) VCF-style: chr15-48905208-G-C.
Other names: c.246C>G, p.Val82= (NM_001406716.1, NM_001406717.1).
Identifiers: ClinVar variation 2951041 (VCV002951041.3), dbSNP rs2505779071, ClinGen allele CA490090261.
Genomic context (GRCh38, chr15:48,613,011, plus strand): 5'-CATGCAACCAACACAACAAAAGAAGGACATGCAGAATGACAAGTTTTCTATTTACTTACG[G>C]ACAATACACTGATTTCCGCCAGGTAAGGTTTTCCATCCAGGGCAACAGTAAGCATTATAA-3'
Protein context (NP_000129.3, residues 72-92): KTLPGGNQCI[Val82=]PICRHSCGDG

ClinVar aggregate classification (germline): Uncertain significance (1 of 4 stars; one submission).

Conditions:
Marfan syndrome (MFS). Also called: MARFAN SYNDROME, TYPE I; Marfan syndrome type 1; Marfan's syndrome; Marfan syndrome, classic; FBN1-Related Marfan Syndrome. Identifiers: Orphanet 284963, Orphanet 558, MedGen C0024796, MONDO:0007947, OMIM 154700.
Familial thoracic aortic aneurysm and aortic dissection (TAAD). Also called: Thoracic aortic aneurysms and dissections. Identifiers: Orphanet 91387, MedGen C4707243, MONDO:0019625.

Submission:

Labcorp Genetics (formerly Invitae), Labcorp
Classification: Uncertain significance for Marfan syndrome; Familial thoracic aortic aneurysm and aortic dissection. Last evaluated: 2025-10-01. Review status: criteria provided, single submitter. Criteria: Invitae Variant Classification Sherloc (09022015). Collection method: clinical testing. Allele origin: germline.
Comment: This sequence change affects codon 82 of the FBN1 mRNA. It is a 'silent' change, meaning that it does not change the encoded amino acid sequence of the FBN1 protein. It affects a nucleotide within the consensus splice site. This variant is not present in population databases (gnomAD no frequency). This variant has not been reported in the literature in individuals affected with FBN1-related conditions. ClinVar contains an entry for this variant (Variation ID: 2951041). Algorithms developed to predict the effect of sequence changes on RNA splicing suggest that this variant is not likely to affect RNA splicing. In summary, the available evidence is currently insufficient to determine the role of this variant in disease. Therefore, it has been classified as a Variant of Uncertain Significance.